The following is an entry in ClinVar:

ClinVar aggregate classification (germline): Uncertain significance (1 of 4 stars; one submission).

Conditions:
Primary ciliary dyskinesia. Also called: Ciliary dyskinesia. Identifiers: Orphanet 244, MedGen C0008780, MONDO:0016575, HP:0012265.

Allele frequency attached by ClinVar (database versions not stated): gnomAD 0.00002 and 0.00007; TOPMed 0.00003; gnomAD exomes 0.00005 and 0.00006; ExAC 0.00007; ESP Exome Variant Server 0.00015; 1000 Genomes Project 30x 0.00016; 1000 Genomes Project 0.00020.
gnomAD v4.1: 87 of 1,613,252 alleles (0.0054%); highest among the groups gnomAD compares: East Asian, 0.14%; no homozygotes.

Submission:

Labcorp Genetics (formerly Invitae), Labcorp
Classification: Uncertain significance for Primary ciliary dyskinesia. Last evaluated: 2022-06-09. Review status: criteria provided, single submitter. Criteria: Invitae Variant Classification Sherloc (09022015). Collection method: clinical testing. Allele origin: germline.
Comment: This sequence change replaces proline, which is neutral and non-polar, with leucine, which is neutral and non-polar, at codon 688 of the DNAAF1 protein (p.Pro688Leu). This variant is present in population databases (rs149659582, gnomAD 0.03%). This variant has not been reported in the literature in individuals affected with DNAAF1-related conditions. ClinVar contains an entry for this variant (Variation ID: 952480). Algorithms developed to predict the effect of missense changes on protein structure and function output the following: SIFT: "Tolerated"; PolyPhen-2: "Benign"; Align-GVGD: "Class C0". The leucine amino acid residue is found in multiple mammalian species, which suggests that this missense change does not adversely affect protein function. In summary, the available evidence is currently insufficient to determine the role of this variant in disease. Therefore, it has been classified as a Variant of Uncertain Significance.

NM_178452.6(DNAAF1):c.2063C>T (p.Pro688Leu)

Gene: DNAAF1 (dynein axonemal assembly factor 1; plus strand). Cytogenetic location: 16q24.1.
Variant type: single nucleotide variant.
Coding change: c.2063C>T on transcript NM_178452.6 (MANE Select); coding-DNA position 2063, C replaced by T.
Protein change: p.Pro688Leu; replaces proline 688 with leucine.
Molecular consequence: missense variant.
Genome position (GRCh38, 1-based): chr16:84,176,297, C>T. VCF-style: chr16-84176297-C-T. GRCh37 (hg19) VCF-style: chr16-84209903-C-T.
Other names: c.1355C>T, p.Pro452Leu (NM_001318756.1); short protein forms P688L, P452L.
Identifiers: ClinVar variation 952480 (VCV000952480.7), dbSNP rs149659582, ClinGen allele CA8203093.